The following is an entry in ClinVar:

NM_007294.4(BRCA1):c.5167delinsTTT (p.Ile1723fs)

Gene: BRCA1 (BRCA1 DNA repair associated; minus strand). Cytogenetic location: 17q21.31.
Variant type: Indel.
Coding change: c.5167delinsTTT on transcript NM_007294.4 (MANE Select); coding-DNA position 5167, A replaced by TTT.
Protein change: p.Ile1723fs; shifts the reading frame from isoleucine 1723.
Molecular consequence: frameshift variant. On other transcripts: non-coding transcript variant (1).
Genome position (GRCh38, 1-based): chr17:43,063,359, T replaced by AAA on the plus strand (A replaced by TTT on the coding strand, the reverse complement: BRCA1 is on the minus strand). VCF-style: chr17-43063359-T-AAA. GRCh37 (hg19) VCF-style: chr17-41215376-T-AAA.
Other names: c.4276delAinsTTT, p.Ile1426Phefs (NM_001407967.1); c.2563delAinsTTT, p.Ile855Phefs (NM_001407968.1); c.2560delAinsTTT, p.Ile854Phefs (NM_001407969.1); c.1924delAinsTTT, p.Ile642Phefs (NM_001407970.1, NM_001407971.1); c.1921delAinsTTT, p.Ile641Phefs (NM_001407972.1); c.1858delAinsTTT, p.Ile620Phefs (NM_001407973.1, NM_001407974.1, NM_001407975.1 and 3 more transcripts); c.1855delAinsTTT, p.Ile619Phefs (NM_001407979.1, NM_001407980.1, NM_001407981.1 and 12 more transcripts); c.1852delAinsTTT, p.Ile618Phefs (NM_001408392.1, NM_001408396.1, NM_001408397.1 and 8 more transcripts); and 75 more; short protein forms I619fs, I1676fs, I1744fs, I1723fs.
Identifiers: ClinVar variation 183180 (VCV000183180.4), dbSNP rs730882167, ClinGen allele CA273776.
Genomic context (GRCh38, chr17:43,063,359, plus strand): 5'-TATCTCTGGTTAGTTTGTAACATCAAGTACTTACCTCATTCAGCATTTTTCTTTCTTTAA[T>AAA]AGACTGGGTCACCCCTAAAGAGATCATAGAAAAGACAGGTTACATACAGCAGAAGAACGT-3'

ClinVar aggregate classification (germline): Pathogenic. Review status: reviewed by expert panel (3 of 4 stars). 2 submissions from 2 submitters: Pathogenic (1). 1 of the submissions does not count toward it. Last evaluated 2016-09-08.

Conditions:
Breast-ovarian cancer, familial, susceptibility to, 1 (BROVCA1). Also called: OVARIAN CANCER, SUSCEPTIBILITY TO; BRCA1 Hereditary Breast and Ovarian Cancer. Identifiers: Orphanet 145, MedGen C2676676, MONDO:0011450, OMIM 604370. Disease mechanism: loss of function.

Submissions (2):

Evidence-based Network for the Interpretation of Germline Mutant Alleles (ENIGMA)
Classification: Pathogenic for Breast-ovarian cancer, familial, susceptibility to, 1. Last evaluated: 2016-09-08. Review status: reviewed by expert panel. Criteria: ENIGMA BRCA1/2 Classification Criteria (2015). Collection method: curation. Allele origin: germline.
Comment: Variant allele predicted to encode a truncated non-functional protein.

Institute of Human Genetics, Medical University Innsbruck
Classification: Pathogenic for Breast-ovarian cancer, familial 1. Last evaluated: 2015-02-11. Review status: no assertion criteria provided. Criteria: clinical testing. Collection method: clinical testing. Allele origin: germline. Affected: yes. Study: BRCA-Tyrol. Not counted in ClinVar's aggregate classification.
Comment: BRCA-mutation spectrum Western Austria